The following is an entry in ClinVar:

ClinVar aggregate classification (germline): Pathogenic (1 of 4 stars; one submission).

Submission:

GeneDx
Classification: Pathogenic. Last evaluated: 2016-08-01. Review status: criteria provided, single submitter. Criteria: GeneDx Variant Classification (06012015). Collection method: clinical testing. Allele origin: germline. Affected: yes.
Comment: The L128P variant has been published previously in a family of Chinese ancestry with pachyonychia congenita (PC) (Dai et al., 2014). It was not observed in approximately 6,500 individuals of European and African American ancestry in the NHLBI Exome Sequencing Project, indicating it is not a common benign variant in these populations. L128P is a semi-conservative amino acid substitution, which may impact secondary protein structure as these residues differ in some properties. This substitution occurs within a known mutational hotspot region (helix initiation motif) that is highly conserved across all species and among all members of the keratin family. Many other pathogenic variants in patients with pachyonychia congenita have been reported at the same residue (L128Q) and in nearby residues (L124H/P/R, N125D/S, R127C/S/G/H/P, L132P) according to the Human Gene Mutation Database (Stenson et al., 2014). It is well established that keratin gene mutations affecting the residues at the ends of the central rod domains of the keratin proteins (helix initiation and termination motifs) interfere with proper keratin intermediate filament assembly and function, resulting in hyperkeratosis (Chamcheu et al., 2011). Therefore, we consider L128P to be pathogenic.

NM_005557.4(KRT16):c.383T>C (p.Leu128Pro)

Gene: KRT16 (keratin 16; minus strand). Cytogenetic location: 17q21.2.
Variant type: single nucleotide variant.
Coding change: c.383T>C on transcript NM_005557.4 (MANE Select); coding-DNA position 383, T replaced by C.
Protein change: p.Leu128Pro; replaces leucine 128 with proline.
Molecular consequence: missense variant.
Genome position (GRCh38, 1-based): chr17:41,612,306, A>G on the plus strand (T>C on the coding strand, the complement: KRT16 is on the minus strand). VCF-style: chr17-41612306-A-G. GRCh37 (hg19) VCF-style: chr17-39768558-A-G.
Other names: short protein forms L128P.
Identifiers: ClinVar variation 265486 (VCV000265486.2), dbSNP rs28928895, ClinGen allele CA10588648.